The following is an entry in ClinVar:

NM_000038.6(APC):c.7532_7533del (p.Leu2511fs)

Gene: APC (APC regulator of Wnt signaling pathway; plus strand). Cytogenetic location: 5q22.2.
Variant type: Microsatellite.
Coding change: c.7532_7533del on transcript NM_000038.6 (MANE Select); coding-DNA positions 7532 to 7533, 2 bases deleted (TC; older notation c.7532_7533delTC).
Protein change: p.Leu2511fs; shifts the reading frame from leucine 2511.
Molecular consequence: frameshift variant. On other transcripts: non-coding transcript variant (2).
Genome position (GRCh38, 1-based): chr5:112,843,126-112,843,127, TC deleted; deleting any 2 consecutive bases within chr5:112,843,124-112,843,127 gives the same sequence; the c. name uses the placement nearest the transcript's 3' end. VCF-style (leftmost placement, unchanged base first): chr5-112843123-ATC-A. GRCh37 (hg19) VCF-style: chr5-112178820-ATC-A.
Other names: c.7532_7533del, p.Leu2511fs (NM_001127510.3, NM_001354895.2, NM_001407450.1); c.7478_7479del, p.Leu2493fs (NM_001127511.3); c.7586_7587del, p.Leu2529fs (NM_001354896.2, NM_001407447.1, NM_001407448.1 and 1 more transcripts); c.7562_7563del, p.Leu2521fs (NM_001354897.2); c.7457_7458del, p.Leu2486fs (NM_001354898.2); c.7448_7449del, p.Leu2483fs (NM_001354899.2); c.7409_7410del, p.Leu2470fs (NM_001354900.2); c.7355_7356del, p.Leu2452fs (NM_001354901.2, NM_001407453.1); and 11 more; short protein forms L2127fs, L2486fs, L2428fs, L2483fs, L2511fs, L2529fs, L2351fs, L2382fs.
Identifiers: ClinVar variation 3729472 (VCV003729472.2).

ClinVar aggregate classification (germline): Pathogenic (1 of 4 stars; one submission).

Conditions:
Familial adenomatous polyposis 1 (FAP1). Also called: FAMILIAL ADENOMATOUS POLYPOSIS 1, ATTENUATED; POLYPOSIS, ADENOMATOUS INTESTINAL. Identifiers: MedGen C2713442, MONDO:0021056, OMIM 175100. Disease mechanism: loss of function.

Submission:

Labcorp Genetics (formerly Invitae), Labcorp
Classification: Pathogenic for Familial adenomatous polyposis 1. Last evaluated: 2025-03-27. Review status: criteria provided, single submitter. Criteria: Invitae Variant Classification Sherloc (09022015). Collection method: clinical testing. Allele origin: germline.
Comment: This sequence change creates a premature translational stop signal (p.Leu2511Glnfs*7) in the APC gene. While this is not anticipated to result in nonsense mediated decay, it is expected to disrupt the last 333 amino acid(s) of the APC protein. This variant is not present in population databases (gnomAD no frequency). This variant has not been reported in the literature in individuals affected with APC-related conditions. This variant is expected to disrupt the EB1 and HDLG binding sites, which mediate interactions with the cytoskeleton (PMID: 15311282, 17293347). While functional studies have not been performed to directly test the effect on APC protein function, this suggests that disruption of the C-terminal portion of the protein is functionally important. A different truncation (p.Tyr2645Lysfs*14) that lies downstream of this variant has been determined to be pathogenic (PMID: 9824584, 1316610, 27081525, 8381579, 22135120, internal data). This suggests that deletion of this region of the APC protein is causative of disease. For these reasons, this variant has been classified as Pathogenic.

Literature cited by the submitters: PubMed 15311282; PubMed 17293347; PubMed 9824584; PubMed 1316610; PubMed 27081525; PubMed 8381579; PubMed 22135120.